The following is an entry in ClinVar:

NM_153252.5(BRWD3):c.4702C>T (p.Arg1568Trp)

Gene: BRWD3 (bromodomain and WD repeat domain containing 3; minus strand). Cytogenetic location: Xq21.1.
Variant type: single nucleotide variant.
Coding change: c.4702C>T on transcript NM_153252.5 (MANE Select); coding-DNA position 4702, C replaced by T.
Protein change: p.Arg1568Trp; replaces arginine 1568 with tryptophan.
Molecular consequence: missense variant.
Genome position (GRCh38, 1-based): chrX:80,677,316, G>A on the plus strand (C>T on the coding strand, the complement: BRWD3 is on the minus strand). VCF-style: chrX-80677316-G-A. GRCh37 (hg19) VCF-style: chrX-79932815-G-A.
Other names: short protein forms R1568W.
Identifiers: ClinVar variation 2660980 (VCV002660980.25), dbSNP rs748635655, ClinGen allele CA10461603.
Genomic context (GRCh38, chrX:80,677,316, plus strand): 5'-CTCCTCCCATGTTTTCATCTTCTTCTGATGCACTAAGTAGTTTTCTCTTGATTCCTGTCC[G>A]GGGCTCTCTGCCATCACCATTTGTAAGGGGTCCATCAAGGGAGTGATCTAAATTAAAATG-3'
Protein context (NP_694984.5, residues 1558-1578): PLTNGDGREP[Arg1568Trp]TGIKRKLLSA

ClinVar aggregate classification (germline): Benign/Likely benign. Review status: criteria provided, multiple submitters, no conflicts (2 of 4 stars). 2 submissions from 2 submitters: Benign (1); Likely benign (1). Last evaluated 2026-01-12.

Allele frequency attached by ClinVar (database versions not stated): ExAC 0.00001; gnomAD exomes 0.00001; gnomAD 0.00003.
gnomAD v4.1: 14 of 1,205,232 alleles (0.0012%); highest among the groups gnomAD compares: Admixed American, 0.013%; no homozygotes.

Submissions (2):

Labcorp Genetics (formerly Invitae), Labcorp
Classification: Benign. Last evaluated: 2026-01-12. Review status: criteria provided, single submitter. Criteria: Invitae Variant Classification Sherloc (09022015). Collection method: clinical testing. Allele origin: germline.

CeGaT Center for Human Genetics Tuebingen
Classification: Likely benign. Last evaluated: 2022-04-01. Review status: criteria provided, single submitter. Criteria: CeGaT Center For Human Genetics Tuebingen Variant Classification Criteria Version 2. Collection method: clinical testing. Allele origin: germline. Affected: yes. Observed: 1 variant allele.
Comment: BRWD3: PP2, BS2